The following is an entry in ClinVar:

ClinVar aggregate classification (germline): Uncertain significance (1 of 4 stars; one submission).

Conditions:
Primary ciliary dyskinesia. Also called: Ciliary dyskinesia. Identifiers: Orphanet 244, MedGen C0008780, MONDO:0016575, HP:0012265.

Submission:

Labcorp Genetics (formerly Invitae), Labcorp
Classification: Uncertain significance for Primary ciliary dyskinesia. Last evaluated: 2022-10-07. Review status: criteria provided, single submitter. Criteria: Invitae Variant Classification Sherloc (09022015). Collection method: clinical testing. Allele origin: germline.
Comment: A copy number gain of the genomic region encompassing the full coding sequence of the DNAAF3 gene has been identified. The boundaries of this event are unknown as they extend beyond the assayed region for this gene and therefore may encompass additional genes. As the precise location of this event is unknown, it may be in tandem or it may be located elsewhere in the genome. This variant has not been reported in the literature in individuals affected with DNAAF3-related conditions. Experimental studies and prediction algorithms are not available or were not evaluated, and the functional significance of this variant is currently unknown. In summary, the available evidence is currently insufficient to determine the role of this variant in disease. Therefore, it has been classified as a Variant of Uncertain Significance.

NC_000019.9:g.(?_55663202)_(55678016_?)dup

Genes: DNAAF3 (dynein axonemal assembly factor 3; minus strand), TNNI3 (troponin I3, cardiac type; minus strand). Cytogenetic location: 19q13.42.
Variant type: Duplication.
Identifiers: ClinVar variation 1387190 (VCV001387190.12).